The following is an entry in ClinVar:

NM_000322.5(PRPH2):c.628C>G (p.Pro210Ala)

Gene: PRPH2 (peripherin 2; minus strand). Cytogenetic location: 6p21.1.
Variant type: single nucleotide variant.
Coding change: c.628C>G on transcript NM_000322.5 (MANE Select); coding-DNA position 628, C replaced by G.
Protein change: p.Pro210Ala; replaces proline 210 with alanine.
Molecular consequence: missense variant.
Genome position (GRCh38, 1-based): chr6:42,704,565, G>C on the plus strand (C>G on the coding strand, the complement: PRPH2 is on the minus strand). VCF-style: chr6-42704565-G-C. GRCh37 (hg19) VCF-style: chr6-42672303-G-C.
Other names: short protein forms P210A.
Identifiers: ClinVar variation 1067912 (VCV001067912.10), dbSNP rs61755797, ClinGen allele CA3808566.

ClinVar aggregate classification (germline): Pathogenic. Review status: criteria provided, multiple submitters, no conflicts (2 of 4 stars). 2 submissions from 2 submitters: Pathogenic (2). Last evaluated 2024-01-15.

Conditions:
PRPH2-related disorder. Also called: PRPH2-related condition; PRPH2-related disorders. Identifiers: MedGen CN239395.

Allele frequency attached by ClinVar (database versions not stated): gnomAD exomes below 0.00001; ExAC 0.00001.
gnomAD v4.1: 1 of 1,614,168 alleles (0.000062%); highest among the groups gnomAD compares: South Asian, 0.0011%; no homozygotes.

Submissions (2):

Blueprint Genetics
Classification: Pathogenic for PRPH2-related disorders. Last evaluated: 2024-01-15. Review status: criteria provided, single submitter. Criteria: ACMG Guidelines, 2015. Collection method: clinical testing. Allele origin: germline. Affected: yes. Observed: 5 variant alleles.

Labcorp Genetics (formerly Invitae), Labcorp
Classification: Pathogenic for PRPH2-related disorder. Last evaluated: 2022-11-01. Review status: criteria provided, single submitter. Criteria: Invitae Variant Classification Sherloc (09022015). Collection method: clinical testing. Allele origin: germline.
Comment: For these reasons, this variant has been classified as Pathogenic. This variant disrupts the p.Pro210 amino acid residue in PRPH2. Other variant(s) that disrupt this residue have been determined to be pathogenic (PMID: 11139241, 11485765, 16799052). This suggests that this residue is clinically significant, and that variants that disrupt this residue are likely to be disease-causing. Advanced modeling of protein sequence and biophysical properties (such as structural, functional, and spatial information, amino acid conservation, physicochemical variation, residue mobility, and thermodynamic stability) performed at Invitae indicates that this missense variant is expected to disrupt PRPH2 protein function. ClinVar contains an entry for this variant (Variation ID: 1067912). This missense change has been observed in individual(s) with autosomal dominant PRPH2-related conditions (Invitae). This variant is present in population databases (rs61755797, gnomAD 0.003%). This sequence change replaces proline, which is neutral and non-polar, with alanine, which is neutral and non-polar, at codon 210 of the PRPH2 protein (p.Pro210Ala).

Literature cited by the submitters: PubMed 11139241 (cited by Labcorp Genetics (formerly Invitae), Labcorp); PubMed 11485765 (cited by Labcorp Genetics (formerly Invitae), Labcorp); PubMed 16799052 (cited by Labcorp Genetics (formerly Invitae), Labcorp).